The following is an entry in ClinVar:

ClinVar aggregate classification (germline): Pathogenic/Likely pathogenic. Review status: criteria provided, multiple submitters, no conflicts (2 of 4 stars). 3 submissions from 3 submitters: Pathogenic (2); Likely pathogenic (1). Last evaluated 2025-05-16.

Conditions:
Short stature-onychodysplasia-facial dysmorphism-hypotrichosis syndrome. Also called: SOFT SYNDROME; Short stature, onychodysplasia, facial dysmorphism, and hypotrichosis. Identifiers: Orphanet 314394, MedGen C3542022, MONDO:0013894, OMIM 614813.

Submissions (3):

Dasa
Classification: Likely pathogenic. Last evaluated: 2025-05-16. Review status: criteria provided, single submitter. Criteria: DASA Assertion Criteria. Collection method: clinical testing. Allele origin: germline.
Comment: NM_015426.5(POC1A):c.689_696del (p.Ala230Glufs*18) is a frameshift variant in POC1A predicted to alter the reading frame and introduce a premature termination codon and is predicted to result in an absent or altered protein product. Loss of function is an established disease mechanism for POC1A-associated disorders. Also, this variant is rare in population databases. Based on the currently available evidence, this variant is classified as likely pathogenic.

3billion
Classification: Pathogenic for Short stature-onychodysplasia-facial dysmorphism-hypotrichosis syndrome. Last evaluated: 2024-11-27. Review status: criteria provided, single submitter. Criteria: ACMG Guidelines, 2015. Collection method: clinical testing. Allele origin: germline. Affected: yes.
Comment: The variant is observed at an extremely low frequency in the gnomAD v4.1.0 dataset (total allele frequency: <0.001%). Predicted Consequence/Location: Frameshift: predicted to result in a loss or disruption of normal protein function through nonsense-mediated decay (NMD) or protein truncation. Multiple pathogenic variants are reported downstream of the variant. The variant has been reported to be associated with POC1A related disorder (ClinVar ID: VCV003256658). Therefore, this variant is classified as Pathogenic according to the recommendation of ACMG/AMP guideline.

MVZ Medizinische Genetik Mainz
Classification: Pathogenic for Short stature-onychodysplasia-facial dysmorphism-hypotrichosis syndrome. Last evaluated: 2024-03-26. Review status: criteria provided, single submitter. Criteria: UK Practice Guidelines For Variant Classification V4 01 2020. Collection method: clinical testing. Allele origin: germline. Inheritance: Autosomal recessive inheritance. Affected: yes. Observed: 1 variant allele.
Comment: ACMG Criteria: PVS1,PM3_SUP,PM2_SUP

NM_015426.5(POC1A):c.689_696del (p.Ala230fs)

Gene: POC1A (POC1 centriolar protein A; minus strand). Cytogenetic location: 3p21.2.
Variant type: Deletion.
Coding change: c.689_696del on transcript NM_015426.5 (MANE Select); coding-DNA positions 689 to 696, 8 bases deleted (CAGCAGTG; older notation c.689_696delCAGCAGTG).
Protein change: p.Ala230fs; shifts the reading frame from alanine 230.
Molecular consequence: frameshift variant.
Genome position (GRCh38, 1-based): chr3:52,138,286-52,138,293, CACTGCTG deleted on the plus strand (CAGCAGTG on the coding strand, the reverse complement: POC1A is on the minus strand); deleting any 8 consecutive bases within chr3:52,138,286-52,138,298 gives the same sequence; the c. name uses the placement nearest the transcript's 3' end. VCF-style (leftmost placement, unchanged base first): chr3-52138285-TCACTGCTG-T. GRCh37 (hg19) VCF-style: chr3-52172301-TCACTGCTG-T.
Other names: c.689_696del, p.Ala230fs (NM_001161580.2); c.575_582del, p.Ala192fs (NM_001161581.2); short protein forms A192fs, A230fs.
Identifiers: ClinVar variation 3256658 (VCV003256658.4).